The following is an entry in ClinVar:

ClinVar aggregate classification (germline): Uncertain significance. Review status: criteria provided, multiple submitters, no conflicts (2 of 4 stars). 2 submissions from 2 submitters: Uncertain significance (2). Last evaluated 2025-10-03.

Allele frequency attached by ClinVar (database versions not stated): gnomAD exomes below 0.00001.
gnomAD v4.1: 3 of 1,568,036 alleles (0.00019%); highest among the groups gnomAD compares: Non-Finnish European, 0.00017%; no homozygotes.

Submissions (2):

Mayo Clinic Laboratories, Mayo Clinic
Classification: Uncertain significance. Last evaluated: 2025-10-03. Review status: criteria provided, single submitter. Criteria: ACMG Guidelines, 2015. Collection method: clinical testing. Allele origin: germline. Observed: 1 variant allele.
Comment: BP4_moderate, PM2_supporting

Revvity Omics, Revvity
Classification: Uncertain significance. Last evaluated: 2023-04-18. Review status: criteria provided, single submitter. Criteria: ACMG Guidelines, 2015. Collection method: clinical testing. Allele origin: germline.

NM_001267550.2(TTN):c.67648C>T (p.Leu22550Phe)

Genes: TTN (titin; minus strand), TTN-AS1 (TTN antisense RNA 1; plus strand), LOC126806423 (CDK7 strongly-dependent group 2 enhancer GRCh37_chr2:179443309-179444508; plus strand). Cytogenetic location: 2q31.2.
Variant type: single nucleotide variant.
Coding change: c.67648C>T on transcript NM_001267550.2 (MANE Select); coding-DNA position 67648, C replaced by T.
Protein change: p.Leu22550Phe; replaces leucine 22550 with phenylalanine.
Molecular consequence: missense variant.
Genome position (GRCh38, 1-based): chr2:178,579,382, G>A on the plus strand (C>T on the coding strand, the complement: TTN is on the minus strand). VCF-style: chr2-178579382-G-A. GRCh37 (hg19) VCF-style: chr2-179444109-G-A.
Other names: p.Leu19982Phe; c.62725C>T, p.Leu20909Phe (NM_001256850.1); c.40453C>T, p.Leu13485Phe (NM_003319.4); c.59944C>T, p.Leu19982Phe (NM_133378.4); c.40828C>T, p.Leu13610Phe (NM_133432.3); c.41029C>T, p.Leu13677Phe (NM_133437.4); short protein forms L13485F, L13610F, L13677F, L19982F, L20909F, L22550F.
Identifiers: ClinVar variation 2690330 (VCV002690330.3), dbSNP rs2468877951, ClinGen allele CA349423287.